The following is an entry in ClinVar:

NM_000540.3(RYR1):c.1290C>T (p.Pro430=)

Gene: RYR1 (ryanodine receptor 1; plus strand). Cytogenetic location: 19q13.2.
Variant type: single nucleotide variant.
Coding change: c.1290C>T on transcript NM_000540.3 (MANE Select); coding-DNA position 1290, C replaced by T.
Protein change: p.Pro430=; no amino-acid change (proline 430 retained).
Molecular consequence: synonymous variant.
Genome position (GRCh38, 1-based): chr19:38,452,864, C>T. VCF-style: chr19-38452864-C-T. GRCh37 (hg19) VCF-style: chr19-38943504-C-T.
Other names: c.1290C>T, p.Pro430= (NM_001042723.2).
Identifiers: ClinVar variation 1581773 (VCV001581773.10), dbSNP rs748936965, ClinGen allele CA059507.

ClinVar aggregate classification (germline): Likely benign. Review status: criteria provided, multiple submitters, no conflicts (2 of 4 stars). 3 submissions from 3 submitters: Likely benign (3). Last evaluated 2024-02-17.

Conditions:
Malignant hyperthermia, susceptibility to, 1 (MHS1). Also called: Malignant hyperthermia suceptibility 1; Anesthesia related hyperthermia; Malignant hyperpyrexia; Fulminating hyperpyrexia; Pharmacogenic myopathy; RYR1-Related Malignant Hyperthermia Susceptibility. Identifiers: Orphanet 423, MedGen C2930980, MONDO:0007783, OMIM 145600.
RYR1-related disorder. Also called: RYR1-related condition; RYR1-related disorders. Identifiers: MedGen CN239331.

Allele frequency attached by ClinVar (database versions not stated): gnomAD 0.00001; ExAC 0.00002; TOPMed 0.00002; gnomAD exomes 0.00003.
gnomAD v4.1: 31 of 1,608,870 alleles (0.0019%); highest among the groups gnomAD compares: Non-Finnish European, 0.0024%; no homozygotes.

Submissions (3):

Labcorp Genetics (formerly Invitae), Labcorp
Classification: Likely benign for RYR1-related disorder. Last evaluated: 2024-02-17. Review status: criteria provided, single submitter. Criteria: Invitae Variant Classification Sherloc (09022015). Collection method: clinical testing. Allele origin: germline.

All of Us Research Program, National Institutes of Health
Classification: Likely benign for Malignant hyperthermia, susceptibility to, 1. Last evaluated: 2023-12-13. Review status: criteria provided, single submitter. Criteria: ACMG Guidelines, 2015. Collection method: clinical testing. Allele origin: germline. Inheritance: Autosomal dominant inheritance. Observed: 3 variant alleles, 3 heterozygotes.
Comment: This study involves interpretation of variants in research participants for the purpose of population health screening. Participant phenotype was not available at the time of variant classification. Additional details can be found in publication PMID: 35346344, PMCID: PMC8962531

Color Diagnostics, LLC DBA Color Health
Classification: Likely benign for Malignant hyperthermia, susceptibility to, 1. Last evaluated: 2022-11-06. Review status: criteria provided, single submitter. Criteria: ACMG Guidelines, 2015. Collection method: clinical testing. Allele origin: germline.